The following is an entry in ClinVar:

ClinVar aggregate classification (germline): Uncertain significance (1 of 4 stars; one submission).

Conditions:
Hereditary cancer-predisposing syndrome. Also called: Hereditary Cancer Syndrome; Hereditary neoplastic syndrome; Neoplastic Syndromes, Hereditary; Tumor predisposition. Identifiers: Orphanet 140162, MedGen C0027672, MeSH D009386, MONDO:0015356.

Submission:

Ambry Genetics
Classification: Uncertain significance for Hereditary cancer-predisposing syndrome. Last evaluated: 2022-04-01. Review status: criteria provided, single submitter. Criteria: Ambry Variant Classification Scheme 2023. Collection method: clinical testing. Allele origin: germline.
Comment: The p.E185D variant (also known as c.555G>C), located in coding exon 2 of the CDKN1B gene, results from a G to C substitution at nucleotide position 555. The glutamic acid at codon 185 is replaced by aspartic acid, an amino acid with highly similar properties. This amino acid position is conserved. In addition, this alteration is predicted to be tolerated by in silico analysis. Since supporting evidence is limited at this time, the clinical significance of this alteration remains unclear.

NM_004064.5(CDKN1B):c.555G>C (p.Glu185Asp)

Gene: CDKN1B (cyclin dependent kinase inhibitor 1B; plus strand). Cytogenetic location: 12p13.1.
Variant type: single nucleotide variant.
Coding change: c.555G>C on transcript NM_004064.5 (MANE Select); coding-DNA position 555, G replaced by C.
Protein change: p.Glu185Asp; replaces glutamic acid 185 with aspartic acid.
Molecular consequence: missense variant.
Genome position (GRCh38, 1-based): chr12:12,718,904, G>C. VCF-style: chr12-12718904-G-C. GRCh37 (hg19) VCF-style: chr12-12871838-G-C.
Other names: short protein forms E185D.
Identifiers: ClinVar variation 1748296 (VCV001748296.2), dbSNP rs2136357424, ClinGen allele CA383973103.